The following is an entry in ClinVar:

NM_001365276.2(TNXB):c.5947G>C (p.Glu1983Gln)

Gene: TNXB (tenascin XB; minus strand). Cytogenetic location: 6p21.33.
Variant type: single nucleotide variant.
Coding change: c.5947G>C on transcript NM_001365276.2 (MANE Select); coding-DNA position 5947, G replaced by C.
Protein change: p.Glu1983Gln; replaces glutamic acid 1983 with glutamine.
Molecular consequence: missense variant.
Genome position (GRCh38, 1-based): chr6:32,068,663, C>G on the plus strand (G>C on the coding strand, the complement: TNXB is on the minus strand). VCF-style: chr6-32068663-C-G. GRCh37 (hg19) VCF-style: chr6-32036440-C-G.
Other names: c.5947G>C, p.Glu1983Gln (NM_019105.8); short protein forms E1983Q.
Identifiers: ClinVar variation 1750648 (VCV001750648.2), dbSNP rs1283973477, ClinGen allele CA363405321.

ClinVar aggregate classification (germline): Uncertain significance (1 of 4 stars; one submission).

Conditions:
Cardiovascular phenotype. Identifiers: MedGen CN230736.

Submission:

Ambry Genetics
Classification: Uncertain significance for Cardiovascular phenotype. Last evaluated: 2021-07-08. Review status: criteria provided, single submitter. Criteria: Ambry Variant Classification Scheme 2023. Collection method: clinical testing. Allele origin: germline.
Comment: The p.E1983Q variant (also known as c.5947G>C), located in coding exon 16 of the TNXB gene, results from a G to C substitution at nucleotide position 5947. The glutamic acid at codon 1983 is replaced by glutamine, an amino acid with highly similar properties. This amino acid position is conserved. In addition, this alteration is predicted to be tolerated by in silico analysis. Since supporting evidence is limited at this time, the clinical significance of this alteration remains unclear.